The following is an entry in ClinVar:

ClinVar aggregate classification (germline): Likely pathogenic. Review status: criteria provided, multiple submitters, no conflicts (2 of 4 stars). 6 submissions from 6 submitters: Likely pathogenic (6). Last evaluated 2025-06-22.

Conditions:
Cardiovascular phenotype. Identifiers: MedGen CN230736.
Dilated cardiomyopathy 1G (CMD1G). Identifiers: Orphanet 154, MedGen C1858763, MONDO:0011400, OMIM 604145.
Autosomal recessive limb-girdle muscular dystrophy type 2J (LGMDR10). Also called: Limb-girdle muscular dystrophy, type 2J; MUSCULAR DYSTROPHY, LIMB-GIRDLE, AUTOSOMAL RECESSIVE 10. Identifiers: Orphanet 140922, MedGen C1837342, MONDO:0012127, OMIM 608807.
Hypertrophic cardiomyopathy 9. Also called: Familial hypertrophic cardiomyopathy 9. Identifiers: MedGen C1861065, MONDO:0013412, OMIM 613765.

gnomAD v4.1: 2 of 1,613,058 alleles (0.00012%); highest among the groups gnomAD compares: Non-Finnish European, 0.000085%; no homozygotes.

Submissions (6):

Labcorp Genetics (formerly Invitae), Labcorp
Classification: Likely pathogenic for Dilated cardiomyopathy 1G; Autosomal recessive limb-girdle muscular dystrophy type 2J. Last evaluated: 2025-06-22. Review status: criteria provided, single submitter. Criteria: Invitae Variant Classification Sherloc (09022015). Collection method: clinical testing. Allele origin: germline.
Comment: This sequence change creates a premature translational stop signal (p.Arg22881*) in the TTN gene. While this is not anticipated to result in nonsense mediated decay, it is expected to create a truncated TTN protein. This variant is not present in population databases (gnomAD no frequency). This variant has not been reported in the literature in individuals affected with TTN-related conditions. ClinVar contains an entry for this variant (Variation ID: 488396). This variant is located in the A band of TTN (PMID: 25589632). Truncating variants in this region are significantly overrepresented in patients affected with dilated cardiomyopathy (PMID: 25589632). Truncating variants in this region have also been reported in individuals affected with autosomal recessive centronuclear myopathy (PMID: 23975875). In summary, the currently available evidence indicates that the variant is pathogenic, but additional data are needed to prove that conclusively. Therefore, this variant has been classified as Likely Pathogenic.

Ambry Genetics
Classification: Likely pathogenic for Cardiovascular phenotype. Last evaluated: 2024-12-10. Review status: criteria provided, single submitter. Criteria: Ambry Variant Classification Scheme 2023. Collection method: clinical testing. Allele origin: germline.
Comment: The p.R13816* variant (also known as c.41446C>T), located in coding exon 150 of the TTN gene, results from a C to T substitution at nucleotide position 41446. This changes the amino acid from an arginine to a stop codon within coding exon 150. This exon is located in the A-band region of the N2-B isoform of the titin protein and is constitutively expressed in TTN transcripts (percent spliced in or PSI 100%). This alteration is expected to result in loss of function by premature protein truncation or nonsense-mediated mRNA decay. While truncating variants in TTN are present in 1-3% of the general population, truncating variants in the A-band are the most common cause of dilated cardiomyopathy (DCM) (Herman DS et al. N. Engl. J. Med., 2012 Feb;366:619-28; Roberts AM et al. Sci Transl Med, 2015 Jan;7:270ra6). TTN truncating variants encoded in constitutive exons (PSI >90%) have been found to be significantly associated with DCM regardless of their position in titin (Schafer S et al. Nat. Genet., 2017 01;49:46-53). This variant is considered to be rare based on population cohorts in the Genome Aggregation Database (gnomAD). As such, this alteration is classified as likely pathogenic.

CeGaT Center for Human Genetics Tuebingen
Classification: Likely pathogenic. Last evaluated: 2024-07-01. Review status: criteria provided, single submitter. Criteria: CeGaT Center For Human Genetics Tuebingen Variant Classification Criteria Version 2. Collection method: clinical testing. Allele origin: germline. Affected: yes. Observed: 1 variant allele.
Comment: TTN: PVS1:Strong, PM2

GeneDx
Classification: Likely pathogenic. Last evaluated: 2023-06-27. Review status: criteria provided, single submitter. Criteria: GeneDx Variant Classification Process June 2021. Collection method: clinical testing. Allele origin: germline. Affected: yes.
Comment: Nonsense variant predicted to result in protein truncation or nonsense mediated decay in a gene for which loss-of-function is a known mechanism of disease; Located in the A-band region of TTN in which the majority of loss of function variants have been associated with autosomal dominant titinopathies (Herman et al., 2012); Not observed at significant frequency in large population cohorts (gnomAD); Has not been previously published as pathogenic or benign to our knowledge; This variant is associated with the following publications: (PMID: 22335739)

Victorian Clinical Genetics Services, Murdoch Childrens Research Institute
Classification: Likely pathogenic for Hypertrophic cardiomyopathy 9. Last evaluated: 2017-09-19. Review status: criteria provided, single submitter. Criteria: ACMG Guidelines, 2015. Collection method: clinical testing. Allele origin: unknown. Inheritance: Autosomal dominant inheritance. Affected: yes.
Comment: A heterozygous nonsense variant, NM_003319.4(TTN):c.41446C>T, has been identified in exon 151 of 191 of the TTN gene. The variant is predicted to result in a premature stop codon at position 13816 of the protein (NP_003310.4(TTN):p.(Arg13816*). This variant is predicted to result in loss of protein function either through truncation (>50% of the protein, including multiple conserved domains) or nonsense-mediated decay. Exon 151 is expressed in the majority of cardiac transcripts (PSI=0.91). Truncating variants in exons expressed in the majority of cardiac transcripts (PSI>0.9) have been reported to be significantly associated with dilated cardiomyopathy (Roberts et al 2015 and Shafer et al 2016). The variant is absent in population databases (gnomAD, dbSNP, 1000G) and has not been previously reported in clinical cases. Based on the information available at the time of curation, this variant has been classified as LIKELY PATHOGENIC.

Juno Genomics, Hangzhou Juno Genomics, Inc
Classification: Likely pathogenic for Dilated cardiomyopathy 1G. Review status: criteria provided, single submitter. Criteria: ACMG Guidelines, 2015. Collection method: clinical testing. Allele origin: germline.
Comment: Absent from controls (or at extremely low frequency if recessive) in Genome Aggregation Database.;Null variant in a gene where loss of function (LOF) is a known mechanism of disease.

Literature cited by the submitters: PubMed 25589632 (cited by Labcorp Genetics (formerly Invitae), Labcorp); PubMed 23975875 (cited by Labcorp Genetics (formerly Invitae), Labcorp).

NM_001267550.2(TTN):c.68641C>T (p.Arg22881Ter)

Genes: TTN-AS1 (TTN antisense RNA 1; plus strand), TTN (titin; minus strand). Cytogenetic location: 2q31.2.
Variant type: single nucleotide variant.
Coding change: c.68641C>T on transcript NM_001267550.2 (MANE Select); coding-DNA position 68641, C replaced by T.
Protein change: p.Arg22881Ter; replaces arginine 22881 with a stop codon.
Molecular consequence: nonsense.
Genome position (GRCh38, 1-based): chr2:178,577,785, G>A on the plus strand (C>T on the coding strand, the complement: TTN is on the minus strand). VCF-style: chr2-178577785-G-A. GRCh37 (hg19) VCF-style: chr2-179442512-G-A.
Other names: c.63718C>T, p.Arg21240Ter (NM_001256850.1); c.41446C>T, p.Arg13816Ter (NM_003319.4); c.60937C>T, p.Arg20313Ter (NM_133378.4); c.41821C>T, p.Arg13941Ter (NM_133432.3); c.42022C>T, p.Arg14008Ter (NM_133437.4); c.68641C>T (NM_001267550.1); short protein forms R13816*, R22881*, R13941*, R21240*, R14008*, R20313*.
Identifiers: ClinVar variation 488396 (VCV000488396.36), dbSNP rs1213930919, ClinGen allele CA349671539.